The following is an entry in ClinVar:

NM_015865.7(SLC14A1):c.130G>A (p.Glu44Lys)

Gene: SLC14A1 (solute carrier family 14 member 1 (Kidd blood group); plus strand). Cytogenetic location: 18q12.3.
Variant type: single nucleotide variant.
Coding change: c.130G>A on transcript NM_015865.7 (MANE Select); coding-DNA position 130, G replaced by A.
Protein change: p.Glu44Lys; replaces glutamic acid 44 with lysine.
Molecular consequence: missense variant. On other transcripts: intron variant (2).
Genome position (GRCh38, 1-based): chr18:45,730,450, G>A. VCF-style: chr18-45730450-G-A. GRCh37 (hg19) VCF-style: chr18-43310415-G-A.
Other names: c.298G>A, p.Glu100Lys (NM_001128588.4, NM_001146037.1); c.130G>A, p.Glu44Lys (NM_001146036.3); c.-164-565G>A (NM_001308278.2); c.-55-3824G>A (NM_001308279.2); short protein forms E100K, E44K.
Identifiers: ClinVar variation 3059300 (VCV003059300.2), dbSNP rs2298720, ClinGen allele CA8947269.

ClinVar aggregate classification (germline): Benign (0 of 4 stars; one submission).

Conditions:
SLC14A1-related disorder. Also called: SLC14A1-related condition.

Allele frequency attached by ClinVar (database versions not stated): gnomAD exomes 0.09800; ESP Exome Variant Server 0.10818; gnomAD 0.13866; TOPMed 0.14251; ExAC 0.14746; 1000 Genomes Project 30x 0.23329; 1000 Genomes Project 0.23542.

Submission:

PreventionGenetics, part of Exact Sciences
Classification: Benign for SLC14A1-related condition. Last evaluated: 2019-10-21. Review status: no assertion criteria provided. Collection method: clinical testing. Allele origin: germline.
Comment: This variant is classified as benign based on ACMG/AMP sequence variant interpretation guidelines (Richards et al. 2015 PMID: 25741868, with internal and published modifications).